The following is an entry in ClinVar:

NM_000135.4(FANCA):c.1441G>T (p.Val481Leu)

Gene: FANCA (FA complementation group A; minus strand). Cytogenetic location: 16q24.3.
Variant type: single nucleotide variant.
Coding change: c.1441G>T on transcript NM_000135.4 (MANE Select); coding-DNA position 1441, G replaced by T.
Protein change: p.Val481Leu; replaces valine 481 with leucine.
Molecular consequence: missense variant.
Genome position (GRCh38, 1-based): chr16:89,784,883, C>A on the plus strand (G>T on the coding strand, the complement: FANCA is on the minus strand). VCF-style: chr16-89784883-C-A. GRCh37 (hg19) VCF-style: chr16-89851291-C-A.
Other names: c.1441G>T, p.Val481Leu (NM_001286167.3); short protein forms V481L.
Identifiers: ClinVar variation 4022249 (VCV004022249.1).

ClinVar aggregate classification (germline): Uncertain significance (1 of 4 stars; one submission).

Conditions:
Inborn genetic diseases. Identifiers: MedGen C0950123, MeSH D030342.

gnomAD v4.1: 1 of 1,614,100 alleles (0.000062%); no homozygotes.

Submission:

Ambry Genetics
Classification: Uncertain significance for Inborn genetic diseases. Last evaluated: 2025-05-08. Review status: criteria provided, single submitter. Criteria: Ambry Variant Classification Scheme 2023. Collection method: clinical testing. Allele origin: germline.
Comment: The p.V481L variant (also known as c.1441G>T), located in coding exon 15 of the FANCA gene, results from a G to T substitution at nucleotide position 1441. The valine at codon 481 is replaced by leucine, an amino acid with highly similar properties. This amino acid position is conserved. In addition, this alteration is predicted to be deleterious by in silico analysis. Based on the available evidence, the clinical significance of this variant remains unclear.